The following is an entry in ClinVar:

ClinVar aggregate classification (germline): Uncertain significance. Review status: criteria provided, multiple submitters, no conflicts (2 of 4 stars). 3 submissions from 3 submitters: Uncertain significance (3). Last evaluated 2025-08-14.

Allele frequency attached by ClinVar (database versions not stated): TOPMed 0.00002; gnomAD 0.00004.
gnomAD v4.1: 39 of 1,549,332 alleles (0.0025%); highest among the groups gnomAD compares: Middle Eastern, 0.023%; 1 homozygote.

Submissions (3):

Ambry Genetics
Classification: Uncertain significance. Last evaluated: 2025-08-14. Review status: criteria provided, single submitter. Criteria: Ambry Variant Classification Scheme 2023. Collection method: clinical testing. Allele origin: germline.

Blueprint Genetics
Classification: Uncertain significance. Last evaluated: 2024-11-19. Review status: criteria provided, single submitter. Criteria: ACMG Guidelines, 2015. Collection method: clinical testing. Allele origin: germline.

Labcorp Genetics (formerly Invitae), Labcorp
Classification: Uncertain significance. Last evaluated: 2024-10-24. Review status: criteria provided, single submitter. Criteria: Invitae Variant Classification Sherloc (09022015). Collection method: clinical testing. Allele origin: germline.
Comment: This sequence change replaces aspartic acid, which is acidic and polar, with asparagine, which is neutral and polar, at codon 873 of the CTDP1 protein (p.Asp873Asn). This variant is present in population databases (no rsID available, gnomAD 0.01%). This variant has not been reported in the literature in individuals affected with CTDP1-related conditions. ClinVar contains an entry for this variant (Variation ID: 2414854). An algorithm developed to predict the effect of missense changes on protein structure and function (PolyPhen-2) suggests that this variant is likely to be disruptive. In summary, the available evidence is currently insufficient to determine the role of this variant in disease. Therefore, it has been classified as a Variant of Uncertain Significance.

NM_004715.5(CTDP1):c.2617G>A (p.Asp873Asn)

Gene: CTDP1 (CTD phosphatase 1; plus strand). Cytogenetic location: 18q23.
Variant type: single nucleotide variant.
Coding change: c.2617G>A on transcript NM_004715.5 (MANE Select); coding-DNA position 2617, G replaced by A.
Protein change: p.Asp873Asn; replaces aspartic acid 873 with asparagine.
Molecular consequence: missense variant. On other transcripts: synonymous variant (1), intron variant (1).
Genome position (GRCh38, 1-based): chr18:79,736,391, G>A. VCF-style: chr18-79736391-G-A. GRCh37 (hg19) VCF-style: chr18-77496391-G-A.
Other names: c.2260G>A, p.Asp754Asn (NM_001202504.1); c.2454G>A, p.Ala818= (NM_048368.4); c.2580+7322G>A (NM_001318511.2); short protein forms D754N, D873N.
Identifiers: ClinVar variation 2414854 (VCV002414854.8), dbSNP rs1434962989, ClinGen allele CA402834424.
Genomic context (GRCh38, chr18:79,736,391, plus strand): 5'-CGCTGACTCTTGGCTGTTTGTCAGGTGGACGACATCCTTGGAGAAGGCAGCGACGACAGC[G>A]ACAGCGAGAAGAGGAGGCCTGAGGAGCAGGAGGAGGAGCCCCAGCCCCGGAAGCCAGGGA-3'
Protein context (NP_004706.3, residues 863-883): DILGEGSDDS[Asp873Asn]SEKRRPEEQE